The following is an entry in ClinVar:

NM_001165963.4(SCN1A):c.235G>A (p.Asp79Asn)

Gene: SCN1A (sodium voltage-gated channel alpha subunit 1; minus strand). Cytogenetic location: 2q24.3.
Variant type: single nucleotide variant.
Coding change: c.235G>A on transcript NM_001165963.4 (MANE Select); coding-DNA position 235, G replaced by A.
Protein change: p.Asp79Asn; replaces aspartic acid 79 with asparagine.
Molecular consequence: missense variant. On other transcripts: 5 prime UTR variant (1), non-coding transcript variant (1).
Genome position (GRCh38, 1-based): chr2:166,073,387, C>T on the plus strand (G>A on the coding strand, the complement: SCN1A is on the minus strand). VCF-style: chr2-166073387-C-T. GRCh37 (hg19) VCF-style: chr2-166929897-C-T.
Other names: c.235G>A, p.Asp79Asn (NM_001165964.3, NM_001202435.3, NM_001353948.2 and 10 more transcripts); c.-2191G>A (NM_001353961.2); short protein forms D79N.
Identifiers: ClinVar variation 379355 (VCV000379355.2), dbSNP rs121917982, ClinGen allele CA16604053.

ClinVar aggregate classification (germline): Pathogenic (1 of 4 stars; one submission).

Submission:

GeneDx
Classification: Pathogenic. Last evaluated: 2017-06-22. Review status: criteria provided, single submitter. Criteria: GeneDx Variant Classification (06012015). Collection method: clinical testing. Allele origin: germline. Affected: yes.
Comment: The D79N missense variant in the SCN1A gene has been reported previously as de novo in an individual with Dravet syndrome (Zuberi et al., 2011). In addition, a different amino acid substitution at this position (D79H) has been reported de novo in an individual with severe myoclonic epilepsy of infancy (Harkin et al., 2007; SCN1A Variant Database). D79N is a semi-conservative amino acid substitution, which may impact secondary protein structure as these residues differ in some properties. This substitution alters a conserved position predicted to be in the N-terminal region of the SCN1A protein, and in silico analysis predicts this variant is probably damaging to the protein structure/function. Additionally, missense variants in nearby residues (S74P, E78D, Y84C) have been reported in the Human Gene Mutation Database in association with SCN1A-related disorders (Stenson et al., 2014), supporting the functional importance of this region of the protein. We therefore interpret D79N as a pathogenic variant.